The following is an entry in ClinVar:

ClinVar aggregate classification (germline): Benign/Likely benign. Review status: criteria provided, multiple submitters, no conflicts (2 of 4 stars). 12 submissions from 11 submitters: Benign (5); Likely benign (5). 2 of the submissions do not count toward it. Last evaluated 2026-08-01.

Conditions:
Inborn genetic diseases. Identifiers: MedGen C0950123, MeSH D030342.
Autosomal dominant nocturnal frontal lobe epilepsy 5. Also called: KCNT1-Related Epilepsy; CILIARY DYSKINESIA, PRIMARY, 28, WITHOUT SITUS INVERSUS; CILIARY DYSKINESIA, PRIMARY, 28, WITH SITUS INVERSUS; Epilepsy, nocturnal frontal lobe, 5. Identifiers: Orphanet 98784, MedGen C3554306, MONDO:0014002, OMIM 615005.
Developmental and epileptic encephalopathy, 14 (DEE14). Also called: Early infantile epileptic encephalopathy 14. Identifiers: Orphanet 293181, MedGen C3554195, MONDO:0013989, OMIM 614959.

Allele frequency attached by ClinVar (database versions not stated): 1000 Genomes Project 30x 0.00078; 1000 Genomes Project 0.00080; ESP Exome Variant Server 0.00085; gnomAD 0.00087 and 0.00096; gnomAD exomes 0.00106 and 0.00129; TOPMed 0.00151; ExAC 0.00164.
gnomAD v4.1: 1,759 of 1,572,976 alleles (0.11%); highest among the groups gnomAD compares: Middle Eastern, 2.6%; 8 homozygotes.

Submissions (12):

CeGaT Center for Human Genetics Tuebingen
Classification: Likely benign. Last evaluated: 2026-08-01. Review status: criteria provided, single submitter. Criteria: CeGaT Center For Human Genetics Tuebingen Variant Classification Criteria Version 2. Collection method: clinical testing. Allele origin: germline. Affected: yes. Observed: 20 variant alleles.
Comment: KCNT1: BP4, BP7

Labcorp Genetics (formerly Invitae), Labcorp
Classification: Benign for Autosomal dominant nocturnal frontal lobe epilepsy 5; Developmental and epileptic encephalopathy, 14. Last evaluated: 2026-02-02. Review status: criteria provided, single submitter. Criteria: Invitae Variant Classification Sherloc (09022015). Collection method: clinical testing. Allele origin: germline.

Blueprint Genetics
Classification: Likely benign. Last evaluated: 2024-11-27. Review status: criteria provided, single submitter. Criteria: ACMG Guidelines, 2015. Collection method: clinical testing. Allele origin: germline.

ARUP Laboratories, Molecular Genetics and Genomics, ARUP Laboratories
Classification: Benign. Last evaluated: 2023-09-12. Review status: criteria provided, single submitter. Criteria: ARUP Molecular Germline Variant Investigation Process 2024. Collection method: clinical testing. Allele origin: germline.

Genome-Nilou Lab
Classification: Benign for Developmental and epileptic encephalopathy, 14. Last evaluated: 2022-03-15. Review status: criteria provided, single submitter. Criteria: ACMG Guidelines, 2015. Collection method: clinical testing. Allele origin: germline. Affected: no.

Genome-Nilou Lab
Classification: Benign for Autosomal dominant nocturnal frontal lobe epilepsy 5. Last evaluated: 2022-03-15. Review status: criteria provided, single submitter. Criteria: ACMG Guidelines, 2015. Collection method: clinical testing. Allele origin: germline. Affected: no.

GeneDx
Classification: Benign. Last evaluated: 2019-05-29. Review status: criteria provided, single submitter. Criteria: GeneDx Variant Classification Process June 2021. Collection method: clinical testing. Allele origin: germline. Affected: yes.

Ambry Genetics
Classification: Likely benign for Inborn genetic diseases. Last evaluated: 2016-04-15. Review status: criteria provided, single submitter. Criteria: Ambry Variant Classification Scheme 2023. Collection method: clinical testing. Allele origin: germline.

Eurofins Ntd Llc (ga)
Classification: Likely benign. Last evaluated: 2015-05-21. Review status: criteria provided, single submitter. Criteria: EGL Classification Definitions 2015. Collection method: clinical testing. Allele origin: germline. Observed: 1 variant allele, 1 heterozygote.

Breakthrough Genomics
Classification: Likely benign. Review status: criteria provided, single submitter. Criteria: ACMG Guidelines, 2015. Collection method: not provided. Allele origin: germline. Inheritance: Autosomal dominant inheritance. Affected: yes.

Clinical Genetics DNA and cytogenetics Diagnostics Lab, Erasmus MC, Erasmus Medical Center
Classification: Likely benign. Review status: no assertion criteria provided. Collection method: clinical testing. Allele origin: germline. Affected: yes. Study: VKGL Data-share Consensus. Not counted in ClinVar's aggregate classification.

Genome Diagnostics Laboratory, University Medical Center Utrecht
Classification: Likely benign. Review status: no assertion criteria provided. Collection method: clinical testing. Allele origin: germline. Affected: yes. Study: VKGL Data-share Consensus. Not counted in ClinVar's aggregate classification.

NM_020822.3(KCNT1):c.2994G>A (p.Leu998=)

Gene: KCNT1 (potassium sodium-activated channel subfamily T member 1; plus strand). Cytogenetic location: 9q34.3.
Variant type: single nucleotide variant.
Coding change: c.2994G>A on transcript NM_020822.3 (MANE Select); coding-DNA position 2994, G replaced by A.
Protein change: p.Leu998=; no amino-acid change (leucine 998 retained).
Molecular consequence: synonymous variant.
Genome position (GRCh38, 1-based): chr9:135,784,585, G>A. VCF-style: chr9-135784585-G-A. GRCh37 (hg19) VCF-style: chr9-138676431-G-A.
Other names: c.2859G>A, p.Leu953= (NM_001272003.2).
Identifiers: ClinVar variation 195982 (VCV000195982.57), dbSNP rs143198263, ClinGen allele CA202068.